The following is an entry in ClinVar:

NM_000203.5(IDUA):c.623G>A (p.Gly208Asp)

Gene: IDUA (alpha-L-iduronidase; plus strand). Cytogenetic location: 4p16.3.
Variant type: single nucleotide variant.
Coding change: c.623G>A on transcript NM_000203.5 (MANE Select); coding-DNA position 623, G replaced by A.
Protein change: p.Gly208Asp; replaces glycine 208 with aspartic acid.
Molecular consequence: missense variant. On other transcripts: non-coding transcript variant (1).
Genome position (GRCh38, 1-based): chr4:1,001,712, G>A. VCF-style: chr4-1001712-G-A. GRCh37 (hg19) VCF-style: chr4-995500-G-A.
Other names: NM_000203.5(IDUA):c.623G>A; p.Gly208Asp; c.623G>A (NM_000203.4); c.227G>A, p.Gly76Asp (NM_001363576.1); short protein forms G208D, G76D.
Identifiers: ClinVar variation 554590 (VCV000554590.13), dbSNP rs1430681871, ClinGen allele CA355961948.

ClinVar aggregate classification (germline): Pathogenic. Review status: reviewed by expert panel (3 of 4 stars). 6 submissions from 6 submitters: Pathogenic (1). 5 of the submissions do not count toward it. Last evaluated 2025-09-15.

Conditions:
Mucopolysaccharidosis type 1. Also called: Mucopolysaccharidosis Type I; IDUA deficiency; MPS I. Identifiers: Orphanet 579, MedGen C0023786, MONDO:0001586.
Hurler syndrome. Also called: Gargoylism, Hurler Syndrome; MUCOPOLYSACCHARIDOSIS TYPE IH; Severe MPS I (Hurler Syndrome). Identifiers: Orphanet 93473, MedGen C0086795, MONDO:0011758, OMIM 607014.

Allele frequency attached by ClinVar (database versions not stated): gnomAD 0.00001; TOPMed 0.00002.
gnomAD v4.1: 4 of 1,599,394 alleles (0.00025%); highest among the groups gnomAD compares: African/African-American, 0.0013%; no homozygotes.

Submissions (6):

ClinGen Lysosomal Storage Disorder Variant Curation Expert Panel
Classification: Pathogenic for Mucopolysaccharidosis type 1. Last evaluated: 2025-09-15. Review status: reviewed by expert panel. Criteria: ClinGen LSD ACMG Specifications IDUA V1.0.0. Collection method: curation. Allele origin: germline. Inheritance: Autosomal recessive inheritance.
Comment: The NM_000203.5:c.623G>A variant in IDUA is a missense variant in exon 6, where glycine at amino acid position 208 is replaced with an aspartic acid (p.Gly208Asp). This variant has been reported in at least seven probands with MPS I (PMID: 21480867, 29976218, 26446585, 24480078). At least 5 probands are compound heterozygous for the variant and another variant in IDUA that has been classified as pathogenic for MPS I by the ClinGen LD VCEP including c.208C>T (p.Gln70Ter) (ClinVar Variation ID: 11909) (PMID: 12509712, 24480078) (confirmed in trans by parental testing, 1 point), c.1598C>G (p.Pro533Arg) (ClinVar Variation ID: 11910) (PMID: 29976218; 2 patients who may be sibs, unconfirmed phase; 0.5 points), c.1205G>A (p.Trp402Ter) (ClinVar Variation ID: 11908) (PMID: 12559846; phase unconfirmed, 0.5 points), and c.657dupG (typo as there is no G in the reference sequence at this position; therefore data not included) (PMID: 21480867). There is also one patient who is homozygous for the variant (PMID: 29976218) (0.5 points) (total 2.5 points; PM3_Strong). Another patient is compound heterozygous for the variant and a variant reported by the authors as p.Pro520Arg (PMID: 26446585). The amino acid Proline at location 520 was not found in any reference sequence for IDUA. The proband exhibits delayed mental development, macrocephaly, joint stiffness, Mongolian macula, hepatosplenomegaly, hernia, cardiac disease, and airway obstruction (PMID: 21480867) (PP4_Moderate). The highest population minor allele frequency in gnomAD v4.1.0 is 0.000013 (1/74860 alleles) in the African/African American population , which is lower than the ClinGen Lysosomal Diseases VCEP’s threshold for PM2_Supporting (<0.00025), meeting this criterion (PM2_Supporting). Expressing the mutation in CHO-K1 cells resulted in 0.0006% normal alpha-iduronidase activity compared to the wild-type control, as shown by western blots (PMID: 12559846). Western blots show no full-length protein (PS3_Moderate). The computational predictor REVEL yields a score of 0.959, which exceeds the threshold of 0.773, indicating a correlation with the impact on IDUA function, as specified in the ClinGen Lysosomal Diseases VCEP (PMID: 36413997) (PP3_Moderate). There is a ClinVar entry for this variant (ClinVar variation ID: 554590). In summary, this variant meets the criteria to be classified as Pathogenic for MPS I based on the IDUA-specific ACMG/AMP criteria applied, as specified by the ClinGen Lysosomal Diseases Variant Curation Expert Panel (Specifications Version 1.0.0): PM3_Strong, PP3_Moderate, PP4_Moderate, PS3_Moderate, PM2_Supporting. (Classification approved by the ClinGen Lysosomal Diseases Variant Curation Expert Panel, Sept. 15, 2025)

Natera, Inc.
Classification: Pathogenic for Mucopolysaccharidosis type I. Last evaluated: 2025-11-14. Review status: criteria provided, single submitter. Criteria: Natera Variant Classification Schema (03/2026). Collection method: clinical testing. Allele origin: germline. Not counted in ClinVar's aggregate classification.
Comment: The c.623G>A variant in IDUA is a missense variant predicted to cause substitution of glycine to aspartic acid at amino acid 208. This variant is rare in the general population with a frequency below the threshold expected for the associated phenotype(s). This variant has been observed in one or more individuals affected with the associated recessive disease, as either homozygous or compound heterozygous with a second variant (PMID: 26825088, 32036093, 26446585). Functional studies show that this variant may disrupt protein function (PMID: 12559846). Given the available evidence, this variant is classified as Pathogenic.

Labcorp Genetics (formerly Invitae), Labcorp
Classification: Pathogenic for Mucopolysaccharidosis type 1. Last evaluated: 2025-10-21. Review status: criteria provided, single submitter. Criteria: Invitae Variant Classification Sherloc (09022015). Collection method: clinical testing. Allele origin: germline. Not counted in ClinVar's aggregate classification.
Comment: This sequence change replaces glycine, which is neutral and non-polar, with aspartic acid, which is acidic and polar, at codon 208 of the IDUA protein (p.Gly208Asp). This variant is not present in population databases (gnomAD no frequency). This missense change has been observed in individual(s) with mucopolysaccharidosis type I (PMID: 12509712, 29976218). In at least one individual the data is consistent with being in trans (on the opposite chromosome) from a pathogenic variant. ClinVar contains an entry for this variant (Variation ID: 554590). Invitae Evidence Modeling of protein sequence and biophysical properties (such as structural, functional, and spatial information, amino acid conservation, physicochemical variation, residue mobility, and thermodynamic stability) indicates that this missense variant is expected to disrupt IDUA protein function with a positive predictive value of 95%. For these reasons, this variant has been classified as Pathogenic.

Revvity Omics, Revvity
Classification: Pathogenic. Last evaluated: 2025-07-21. Review status: criteria provided, single submitter. Criteria: ACMG Guidelines, 2015. Collection method: clinical testing. Allele origin: germline. Not counted in ClinVar's aggregate classification.

Women's Health and Genetics/Laboratory Corporation of America, LabCorp
Classification: Pathogenic for Mucopolysaccharidosis type 1. Last evaluated: 2023-08-07. Review status: criteria provided, single submitter. Criteria: LabCorp Variant Classification Summary - May 2015. Collection method: clinical testing. Allele origin: germline. Not counted in ClinVar's aggregate classification.
Comment: Variant summary: IDUA c.623G>A (p.Gly208Asp) results in a non-conservative amino acid change in the encoded protein sequence. This alters a highly conserved residue in which other missense variants (p.Gly208Val, p.Gly208Ala) have been found in association with disease (HGMD, ClinVar). Four of five in-silico tools predict a damaging effect of the variant on protein function. The variant was absent in 227442 control chromosomes (gnomAD). c.623G>A has been reported in the literature in multiple individuals affected with Mucopolysaccharidosis Type 1 (Li_2002, Matte_2003, Wang_2012, Giugliani_2018), and some were reported as compound heterozygous with other pathogenic variants. These data indicate that the variant is very likely to be associated with disease. At least one publication reports experimental evidence evaluating an impact on protein function, findind a variant effect that results in <1% of normal enzymatic activity (Matte_2003). The following publications have been ascertained in the context of this evaluation (PMID: 12509712, 12559846, 21480867, 29976218). Three submitters have cited clinical-significance assessments for this variant to ClinVar after 2014. All submitters classified the variant as pathogenic/likely pathogenic. Based on the evidence outlined above, the variant was classified as pathogenic.

Counsyl
Classification: Likely pathogenic for Hurler syndrome. Last evaluated: 2017-10-26. Review status: no assertion criteria provided. Collection method: clinical testing. Allele origin: unknown. Not counted in ClinVar's aggregate classification.

Literature cited by the submitters: PubMed 26825088 (cited by Natera, Inc.); PubMed 32036093 (cited by Natera, Inc.); PubMed 26446585 (cited by Natera, Inc.); PubMed 12559846 (cited by 3 submitters); PubMed 12509712 (cited by 3 submitters); PubMed 29976218 (cited by Labcorp Genetics (formerly Invitae), Labcorp and Women's Health and Genetics/Laboratory Corporation of America, LabCorp); PubMed 21480867 (cited by Women's Health and Genetics/Laboratory Corporation of America, LabCorp and Counsyl).